The following is an entry in ClinVar:

NM_014208.3(DSPP):c.2217C>T (p.Asn739=)

Genes: DMP1-AS1 (DMP1 and DSPP antisense RNA 1; minus strand), DSPP (dentin sialophosphoprotein; plus strand). Cytogenetic location: 4q22.1.
Variant type: single nucleotide variant.
Coding change: c.2217C>T on transcript NM_014208.3 (MANE Select); coding-DNA position 2217, C replaced by T.
Protein change: p.Asn739=; no amino-acid change (asparagine 739 retained).
Molecular consequence: synonymous variant.
Genome position (GRCh38, 1-based): chr4:87,614,879, C>T. VCF-style: chr4-87614879-C-T. GRCh37 (hg19) VCF-style: chr4-88536031-C-T.
Identifiers: ClinVar variation 2654895 (VCV002654895.24), dbSNP rs147160873, ClinGen allele CA100854300.

ClinVar aggregate classification (germline): Likely benign (1 of 4 stars; one submission).

Allele frequency attached by ClinVar (database versions not stated): gnomAD exomes below 0.00001; ESP Exome Variant Server 0.02081.

Submission:

CeGaT Center for Human Genetics Tuebingen
Classification: Likely benign. Last evaluated: 2026-08-01. Review status: criteria provided, single submitter. Criteria: CeGaT Center For Human Genetics Tuebingen Variant Classification Criteria Version 2. Collection method: clinical testing. Allele origin: germline. Affected: yes. Observed: 3 variant alleles.
Comment: DSPP: BP4, BP7